The following is an entry in ClinVar:

ClinVar aggregate classification (germline): Likely benign. Review status: criteria provided, multiple submitters, no conflicts (2 of 4 stars). 4 submissions from 4 submitters: Likely benign (4). Last evaluated 2024-12-05.

Conditions:
SPTBN1-related disorder. Also called: SPTBN1-related condition.

Allele frequency attached by ClinVar (database versions not stated): gnomAD 0.00024 and 0.00027; TOPMed 0.00025; ESP Exome Variant Server 0.00008; ExAC 0.00016; gnomAD exomes 0.00019 and 0.00023.
gnomAD v4.1: 313 of 1,613,944 alleles (0.019%); highest among the groups gnomAD compares: Admixed American, 0.088%; no homozygotes.

Submissions (4):

PreventionGenetics, part of Exact Sciences
Classification: Likely benign for SPTBN1-related condition. Last evaluated: 2024-12-05. Review status: criteria provided, single submitter. Criteria: ACMG Guidelines, 2015. Collection method: clinical testing. Allele origin: germline.
Comment: This variant is classified as likely benign based on ACMG/AMP sequence variant interpretation guidelines (Richards et al. 2015 PMID: 25741868, with internal and published modifications).

Blueprint Genetics
Classification: Likely benign. Last evaluated: 2024-08-19. Review status: criteria provided, single submitter. Criteria: ACMG Guidelines, 2015. Collection method: clinical testing. Allele origin: germline.

Labcorp Genetics (formerly Invitae), Labcorp
Classification: Likely benign. Last evaluated: 2018-07-06. Review status: criteria provided, single submitter. Criteria: Invitae Variant Classification Sherloc (09022015). Collection method: clinical testing. Allele origin: germline.

Breakthrough Genomics
Classification: Likely benign. Review status: criteria provided, single submitter. Criteria: ACMG Guidelines, 2015. Collection method: not provided. Allele origin: germline. Inheritance: Autosomal dominant inheritance. Affected: yes.

NM_003128.3(SPTBN1):c.5271G>A (p.Thr1757=)

Gene: SPTBN1 (spectrin beta, non-erythrocytic 1; plus strand). Cytogenetic location: 2p16.2.
Variant type: single nucleotide variant.
Coding change: c.5271G>A on transcript NM_003128.3 (MANE Select); coding-DNA position 5271, G replaced by A.
Protein change: p.Thr1757=; no amino-acid change (threonine 1757 retained).
Molecular consequence: synonymous variant.
Genome position (GRCh38, 1-based): chr2:54,649,683, G>A. VCF-style: chr2-54649683-G-A. GRCh37 (hg19) VCF-style: chr2-54876820-G-A.
Other names: c.5232G>A, p.Thr1744= (NM_178313.3).
Identifiers: ClinVar variation 717569 (VCV000717569.6), dbSNP rs34367340, ClinGen allele CA1661319.